The following is an entry in ClinVar:

NM_002206.3(ITGA7):c.2738G>A (p.Arg913Gln)

Gene: ITGA7 (integrin subunit alpha 7; minus strand). Cytogenetic location: 12q13.2.
Variant type: single nucleotide variant.
Coding change: c.2738G>A on transcript NM_002206.3 (MANE Select); coding-DNA position 2738, G replaced by A.
Protein change: p.Arg913Gln; replaces arginine 913 with glutamine.
Molecular consequence: missense variant.
Genome position (GRCh38, 1-based): chr12:55,692,950, C>T on the plus strand (G>A on the coding strand, the complement: ITGA7 is on the minus strand). VCF-style: chr12-55692950-C-T. GRCh37 (hg19) VCF-style: chr12-56086734-C-T.
Other names: c.2750G>A, p.Arg917Gln (NM_001144996.2); c.2459G>A, p.Arg820Gln (NM_001144997.2); c.2411G>A, p.Arg804Gln (NM_001367993.1); c.1394G>A, p.Arg465Gln (NM_001367994.1); c.2720G>A, p.Arg907Gln (NM_001374465.1); c.2870G>A, p.Arg957Gln (NM_001410977.1); c.2732G>A, p.Arg911Gln (NM_001414029.1); c.2663G>A, p.Arg888Gln (NM_001414030.1); and 5 more; short protein forms R917Q, R907Q, R465Q, R820Q, R804Q, R913Q, R957Q, R800Q.
Identifiers: ClinVar variation 1496023 (VCV001496023.6), dbSNP rs755263823, ClinGen allele CA6615476.
Genomic context (GRCh38, chr12:55,692,950, plus strand): 5'-GACATGCTGGGCTCCTGCCGCTCACCAGGCTCCTGCTGCTCAGGTGGCTCCAGCTCCCGC[C>T]GCCTCCTATCCCTACTGTCCACATCCTGGACACGGAAGGGGGGTCTTAGTGAGTGTCCCT-3'
Protein context (NP_002197.2, residues 903-923): HLDVDSRDRR[Arg913Gln]RELEPPEQQE

ClinVar aggregate classification (germline): Uncertain significance. Review status: criteria provided, multiple submitters, no conflicts (2 of 4 stars). 2 submissions from 2 submitters: Uncertain significance (2). Last evaluated 2022-09-01.

Conditions:
Congenital muscular dystrophy due to integrin alpha-7 deficiency. Also called: MYOPATHY, CONGENITAL, DUE TO INTEGRIN ALPHA-7 DEFICIENCY; Congenital muscular dystrophy with integrin alpha-7 deficiency; Muscular dystrophy, congenital, due to ITGA7 deficiency. Identifiers: Orphanet 34520, MedGen C2750786, MONDO:0013177, OMIM 613204.

Allele frequency attached by ClinVar (database versions not stated): ExAC 0.00002; gnomAD exomes 0.00002 and 0.00003.
gnomAD v4.1: 35 of 1,614,082 alleles (0.0022%); highest among the groups gnomAD compares: Middle Eastern, 0.033%; no homozygotes.

Submissions (2):

Labcorp Genetics (formerly Invitae), Labcorp
Classification: Uncertain significance for Congenital muscular dystrophy due to integrin alpha-7 deficiency. Last evaluated: 2022-09-01. Review status: criteria provided, single submitter. Criteria: Invitae Variant Classification Sherloc (09022015). Collection method: clinical testing. Allele origin: germline.
Comment: This sequence change replaces arginine, which is basic and polar, with glutamine, which is neutral and polar, at codon 913 of the ITGA7 protein (p.Arg913Gln). This variant is present in population databases (rs755263823, gnomAD 0.03%). This variant has not been reported in the literature in individuals affected with ITGA7-related conditions. ClinVar contains an entry for this variant (Variation ID: 1496023). Algorithms developed to predict the effect of missense changes on protein structure and function are either unavailable or do not agree on the potential impact of this missense change (SIFT: "Tolerated"; PolyPhen-2: "Possibly Damaging"; Align-GVGD: "Class C0"). In summary, the available evidence is currently insufficient to determine the role of this variant in disease. Therefore, it has been classified as a Variant of Uncertain Significance.

Breakthrough Genomics
Classification: Uncertain significance. Review status: criteria provided, single submitter. Criteria: ACMG Guidelines, 2015. Collection method: not provided. Allele origin: germline. Inheritance: Autosomal recessive inheritance. Affected: yes.